The following is an entry in ClinVar:

NM_005886.3(KATNB1):c.1047-3C>T

Gene: KATNB1 (katanin regulatory subunit B1; plus strand). Cytogenetic location: 16q21.
Variant type: single nucleotide variant.
Coding change: c.1047-3C>T on transcript NM_005886.3 (MANE Select); 3 bases into the intron before coding-DNA position 1047, C replaced by T.
Molecular consequence: intron variant.
Genome position (GRCh38, 1-based): chr16:57,753,386, C>T. VCF-style: chr16-57753386-C-T. GRCh37 (hg19) VCF-style: chr16-57787298-C-T.
Identifiers: ClinVar variation 1033039 (VCV001033039.10), dbSNP rs373854173, ClinGen allele CA8081013.

ClinVar aggregate classification (germline): Conflicting classifications of pathogenicity. Review status: criteria provided, conflicting classifications (1 of 4 stars). 3 submissions from 3 submitters: Uncertain significance (1); Likely benign (2). Last evaluated 2025-10-02.

Conditions:
Lissencephaly 6 with microcephaly. Identifiers: Orphanet 1083, MedGen C4015525, MONDO:0014534, OMIM 616212.

Allele frequency attached by ClinVar (database versions not stated): gnomAD exomes 0.00010 and 0.00025; ExAC 0.00035; 1000 Genomes Project 0.00060; 1000 Genomes Project 30x 0.00078; ESP Exome Variant Server 0.00092; gnomAD 0.00096 and 0.00108; TOPMed 0.00111.
gnomAD v4.1: 294 of 1,611,412 alleles (0.018%); highest among the groups gnomAD compares: African/African-American, 0.37%; 1 homozygote.

Submissions (4):

Labcorp Genetics (formerly Invitae), Labcorp
Classification: Likely benign. Last evaluated: 2025-10-02. Review status: criteria provided, single submitter. Criteria: Invitae Variant Classification Sherloc (09022015). Collection method: clinical testing. Allele origin: germline.

GeneDx
Classification: Likely benign. Last evaluated: 2020-09-04. Review status: criteria provided, single submitter. Criteria: GeneDx Variant Classification Process June 2021. Collection method: clinical testing. Allele origin: germline. Affected: yes.

Baylor Genetics
Classification: Uncertain significance for Lissencephaly 6 with microcephaly. Last evaluated: 2018-01-25. Review status: criteria provided, single submitter. Criteria: ACMG Guidelines, 2015. Collection method: clinical testing. Allele origin: maternal. Affected: yes.
Comment: This variant was determined to be of uncertain significance according to ACMG Guidelines, 2015 [PMID:25741868].

Dr. Peter K. Rogan Lab, Western University
No classification provided (evidence only). Condition: Malignant tumor of esophagus. Review status: no classification provided. Collection method: in vitro. Allele origin: not applicable. Functional consequence: retained intron. Not counted in ClinVar's aggregate classification.